The following is an entry in ClinVar:

NM_000238.4(KCNH2):c.1778T>A (p.Ile593Lys)

Gene: KCNH2 (potassium voltage-gated channel subfamily H member 2; minus strand). Cytogenetic location: 7q36.1.
Variant type: single nucleotide variant.
Coding change: c.1778T>A on transcript NM_000238.4 (MANE Select); coding-DNA position 1778, T replaced by A.
Protein change: p.Ile593Lys; replaces isoleucine 593 with lysine.
Molecular consequence: missense variant.
Genome position (GRCh38, 1-based): chr7:150,951,615, A>T on the plus strand (T>A on the coding strand, the complement: KCNH2 is on the minus strand). VCF-style: chr7-150951615-A-T. GRCh37 (hg19) VCF-style: chr7-150648703-A-T.
Other names: c.1778T>A (LRG_288t1); c.758T>A, p.Ile253Lys (NM_001204798.2, NM_172057.3); c.1490T>A, p.Ile497Lys (NM_001406753.1, NM_001406756.1); c.1601T>A, p.Ile534Lys (NM_001406755.1); c.1478T>A, p.Ile493Lys (NM_001406757.1); c.1778T>A, p.Ile593Lys (NM_172056.3); short protein forms I253K, I593K, I534K, I493K, I497K.
Identifiers: ClinVar variation 67269 (VCV000067269.7), dbSNP rs28928904, ClinGen allele CA005445.

ClinVar aggregate classification (germline): Pathogenic. Review status: criteria provided, single submitter (1 of 4 stars). 2 submissions from 2 submitters: Pathogenic (1). 1 of the submissions does not count toward it. Last evaluated 2017-07-10.

Conditions:
Familial long QT syndrome (RWS). Also called: Congenital long QT syndrome; Romano-Ward syndrome; VENTRICULAR FIBRILLATION WITH PROLONGED QT INTERVAL. Identifiers: Orphanet 768, MedGen C1141890, MONDO:0019171.
Long QT syndrome (LQTS). Identifiers: MedGen C0023976, MeSH D008133, MONDO:0002442. Disease mechanism: loss of function. Inheritance: Various modes of inheritance.

Allele frequency attached by ClinVar (database versions not stated): gnomAD exomes below 0.00001.
gnomAD v4.1: 1 of 1,614,232 alleles (0.000062%); highest among the groups gnomAD compares: Non-Finnish European, 0.000085%; no homozygotes.

Submissions (2):

Labcorp Genetics (formerly Invitae), Labcorp
Classification: Pathogenic for Long QT syndrome. Last evaluated: 2017-07-10. Review status: criteria provided, single submitter. Criteria: Invitae Variant Classification Sherloc (09022015). Collection method: clinical testing. Allele origin: germline.
Comment: For these reasons, this variant has been classified as Pathogenic. A different missense substitution at this codon (p.Ile593Arg) has been determined to be pathogenic (PMID: 25417810, 9694858, 23303164, 10973849, 8635257). This suggests that the isoleucine residue is critical for KCNH2 protein function and that other missense substitutions at this position may also be pathogenic. Experimental studies have shown that this missense change leads to defecting protein trafficking (PMID: 25417810). This variant identified in the KCNH2 gene is located in the transmembrane spanning S5/pore region of the resulting protein (PMID: 19841300, 25348405). This variant has been reported in an individual with long QT syndrome (PMID: 21956039), as well as in an individual referred for long QT syndrome genetic testing (PMID: 19716085). In addition, this variant has been demonstrated to segregate with long QT syndrome in a family (Invitae). ClinVar contains an entry for this variant (Variation ID: 67269). This variant is not present in population databases (rs28928904, ExAC no frequency). This sequence change replaces isoleucine with lysine at codon 593 of the KCNH2 protein (p.Ile593Lys). The isoleucine residue is moderately conserved and there is a moderate physicochemical difference between isoleucine and lysine.

Cardiovascular Biomedical Research Unit, Royal Brompton & Harefield NHS Foundation Trust
No classification provided. Condition: Familial long QT syndrome. Review status: no classification provided. Collection method: literature only. Allele origin: germline. Not counted in ClinVar's aggregate classification.
Comment: This variant has been reported as associated with Long QT syndrome in the following publications (PMID:19716085). This is a literature report, and does not necessarily reflect the clinical interpretation of the Imperial College / Royal Brompton Cardiovascular Genetics laboratory.

Literature cited by the submitters: PubMed 25417810 (cited by Labcorp Genetics (formerly Invitae), Labcorp); PubMed 9694858 (cited by Labcorp Genetics (formerly Invitae), Labcorp); PubMed 23303164 (cited by Labcorp Genetics (formerly Invitae), Labcorp); PubMed 10973849 (cited by Labcorp Genetics (formerly Invitae), Labcorp); PubMed 8635257 (cited by Labcorp Genetics (formerly Invitae), Labcorp); PubMed 19841300 (cited by Labcorp Genetics (formerly Invitae), Labcorp); PubMed 25348405 (cited by Labcorp Genetics (formerly Invitae), Labcorp); PubMed 21956039 (cited by Labcorp Genetics (formerly Invitae), Labcorp); PubMed 19716085 (cited by Labcorp Genetics (formerly Invitae), Labcorp and Cardiovascular Biomedical Research Unit, Royal Brompton & Harefield NHS Foundation Trust); PubMed 22581653 (cited by Cardiovascular Biomedical Research Unit, Royal Brompton & Harefield NHS Foundation Trust).